The following is an entry in ClinVar:

ClinVar aggregate classification (germline): Uncertain significance (1 of 4 stars; one submission).

Submission:

Labcorp Genetics (formerly Invitae), Labcorp
Classification: Uncertain significance. Last evaluated: 2025-03-23. Review status: criteria provided, single submitter. Criteria: Invitae Variant Classification Sherloc (09022015). Collection method: clinical testing. Allele origin: germline.
Comment: This sequence change replaces serine, which is neutral and polar, with phenylalanine, which is neutral and non-polar, at codon 437 of the CACNA1E protein (p.Ser437Phe). This variant is not present in population databases (gnomAD no frequency). This variant has not been reported in the literature in individuals affected with CACNA1E-related conditions. Invitae Evidence Modeling of protein sequence and biophysical properties (such as structural, functional, and spatial information, amino acid conservation, physicochemical variation, residue mobility, and thermodynamic stability) has been performed for this missense variant. However, the output from this modeling did not meet the statistical confidence thresholds required to predict the impact of this variant on CACNA1E protein function. In summary, the available evidence is currently insufficient to determine the role of this variant in disease. Therefore, it has been classified as a Variant of Uncertain Significance.

NM_001205293.3(CACNA1E):c.1310C>T (p.Ser437Phe)

Gene: CACNA1E (calcium voltage-gated channel subunit alpha1 E; plus strand). Cytogenetic location: 1q25.3.
Variant type: single nucleotide variant.
Coding change: c.1310C>T on transcript NM_001205293.3 (MANE Select); coding-DNA position 1310, C replaced by T.
Protein change: p.Ser437Phe; replaces serine 437 with phenylalanine.
Molecular consequence: missense variant.
Genome position (GRCh38, 1-based): chr1:181,716,124, C>T. VCF-style: chr1-181716124-C-T. GRCh37 (hg19) VCF-style: chr1-181685260-C-T.
Other names: c.1310C>T, p.Ser437Phe (NM_000721.4, NM_001205294.2); short protein forms S437F.
Identifiers: ClinVar variation 4799086 (VCV004799086.1).